The following is an entry in ClinVar:

NM_002519.3(NPAT):c.4079G>A (p.Arg1360Lys)

Gene: NPAT (nuclear protein, coactivator of histone transcription; minus strand). Cytogenetic location: 11q22.3.
Variant type: single nucleotide variant.
Coding change: c.4079G>A on transcript NM_002519.3 (MANE Select); coding-DNA position 4079, G replaced by A.
Protein change: p.Arg1360Lys; replaces arginine 1360 with lysine.
Molecular consequence: missense variant.
Genome position (GRCh38, 1-based): chr11:108,161,007, C>T on the plus strand (G>A on the coding strand, the complement: NPAT is on the minus strand). VCF-style: chr11-108161007-C-T. GRCh37 (hg19) VCF-style: chr11-108031734-C-T.
Other names: c.4100G>A, p.Arg1367Lys (NM_001321307.1); short protein forms R1367K, R1360K.
Identifiers: ClinVar variation 1737599 (VCV001737599.2), dbSNP rs2496693370, ClinGen allele CA382509416.

ClinVar aggregate classification (germline): Uncertain significance (1 of 4 stars; one submission).

Allele frequency attached by ClinVar (database versions not stated): gnomAD exomes below 0.00001.
gnomAD v4.1: 4 of 1,614,130 alleles (0.00025%); highest among the groups gnomAD compares: South Asian, 0.0011%; no homozygotes.

Submission:

Ambry Genetics
Classification: Uncertain significance. Last evaluated: 2024-03-25. Review status: criteria provided, single submitter. Criteria: Ambry Variant Classification Scheme 2023. Collection method: clinical testing. Allele origin: germline.
Comment: The p.R1360K variant (also known as c.4079G>A), located in coding exon 17 of the NPAT gene, results from a G to A substitution at nucleotide position 4079. The arginine at codon 1360 is replaced by lysine, an amino acid with highly similar properties. This amino acid position is conserved. In addition, this alteration is predicted to be tolerated by in silico analysis. Since supporting evidence is limited at this time, the clinical significance of this alteration remains unclear.